The following is an entry in ClinVar:

NM_000179.3(MSH6):c.966C>T (p.Ala322=)

Gene: MSH6 (mutS homolog 6; plus strand). Cytogenetic location: 2p16.3.
Variant type: single nucleotide variant.
Coding change: c.966C>T on transcript NM_000179.3 (MANE Select); coding-DNA position 966, C replaced by T.
Protein change: p.Ala322=; no amino-acid change (alanine 322 retained).
Molecular consequence: synonymous variant.
Genome position (GRCh38, 1-based): chr2:47,798,949, C>T. VCF-style: chr2-47798949-C-T. GRCh37 (hg19) VCF-style: chr2-48026088-C-T.
Other names: c.576C>T, p.Ala192= (NM_001281492.2); c.60C>T, p.Ala20= (NM_001281493.2, NM_001281494.2).
Identifiers: ClinVar variation 507745 (VCV000507745.3), dbSNP rs1231712557, ClinGen allele CA426120667.

ClinVar aggregate classification (germline): Likely benign. Review status: criteria provided, multiple submitters, no conflicts (2 of 4 stars). 2 submissions from 2 submitters: Likely benign (2). Last evaluated 2023-06-26.

Conditions:
Hereditary cancer-predisposing syndrome. Also called: Hereditary neoplastic syndrome; Hereditary Cancer Syndrome; Neoplastic Syndromes, Hereditary; Tumor predisposition. Identifiers: Orphanet 140162, MedGen C0027672, MeSH D009386, MONDO:0015356.

Allele frequency attached by ClinVar (database versions not stated): gnomAD exomes 0.00001.
gnomAD v4.1: 3 of 1,614,156 alleles (0.00019%); highest among the groups gnomAD compares: South Asian, 0.0033%; no homozygotes.

Submissions (2):

Ambry Genetics
Classification: Likely benign for Hereditary cancer-predisposing syndrome. Last evaluated: 2023-06-26. Review status: criteria provided, single submitter. Criteria: Ambry Variant Classification Scheme 2023. Collection method: clinical testing. Allele origin: germline.

GeneDx
Classification: Likely benign. Last evaluated: 2017-02-24. Review status: criteria provided, single submitter. Criteria: GeneDx Variant Classification (06012015). Collection method: clinical testing. Allele origin: germline. Affected: yes.
Comment: This variant is considered likely benign or benign based on one or more of the following criteria: it is a conservative change, it occurs at a poorly conserved position in the protein, it is predicted to be benign by multiple in silico algorithms, and/or has population frequency not consistent with disease.